The following is an entry in ClinVar:

NM_018341.3(ERMARD):c.1607T>C (p.Leu536Pro)

Gene: ERMARD (ER membrane associated RNA degradation; plus strand). Cytogenetic location: 6q27.
Variant type: single nucleotide variant.
Coding change: c.1607T>C on transcript NM_018341.3 (MANE Select); coding-DNA position 1607, T replaced by C.
Protein change: p.Leu536Pro; replaces leucine 536 with proline.
Molecular consequence: missense variant. On other transcripts: intron variant (2).
Genome position (GRCh38, 1-based): chr6:169,776,541, T>C. VCF-style: chr6-169776541-T-C. GRCh37 (hg19) VCF-style: chr6-170176637-T-C.
Other names: c.1229T>C, p.Leu410Pro (NM_001278532.2); c.1598+130T>C (NM_001278531.2); c.1520+476T>C (NM_001278533.2); c.1607T>C (NM_018341.1); short protein forms L536P, L410P.
Identifiers: ClinVar variation 632796 (VCV000632796.2), dbSNP rs1562350675, ClinGen allele CA366504417.

ClinVar aggregate classification (germline): Uncertain significance. Review status: criteria provided, multiple submitters, no conflicts (2 of 4 stars). 2 submissions from 2 submitters: Uncertain significance (2). Last evaluated 2024-07-26.

Allele frequency attached by ClinVar (database versions not stated): gnomAD exomes below 0.00001; gnomAD 0.00001; TOPMed 0.00001.
gnomAD v4.1: 2 of 1,614,058 alleles (0.00012%); highest among the groups gnomAD compares: African/African-American, 0.0013%; no homozygotes.

Submissions (2):

Ambry Genetics
Classification: Uncertain significance. Last evaluated: 2024-07-26. Review status: criteria provided, single submitter. Criteria: Ambry Variant Classification Scheme 2023. Collection method: clinical testing. Allele origin: germline.

Women's Health and Genetics/Laboratory Corporation of America, LabCorp
Classification: Uncertain significance. Last evaluated: 2018-10-01. Review status: criteria provided, single submitter. Criteria: LabCorp Variant Classification Summary - May 2015. Collection method: clinical testing. Allele origin: germline.
Comment: Variant summary: ERMARD c.1607T>C (p.Leu536Pro) results in a non-conservative amino acid change in the encoded protein sequence. Four of five in-silico tools predict a damaging effect of the variant on protein function. The variant was absent in 276770 control chromosomes (gnomAD). The available data on variant occurrences in the general population are insufficient to allow any conclusion about variant significance. To our knowledge, no occurrence of c.1607T>C in individuals affected with Periventricular nodular heterotopia 6 and no experimental evidence demonstrating its impact on protein function have been reported. No clinical diagnostic laboratories have submitted clinical-significance assessments for this variant to ClinVar after 2014. Based on the evidence outlined above, the variant was classified as uncertain significance.